The following is an entry in ClinVar:

ClinVar aggregate classification (germline): Uncertain significance (1 of 4 stars; one submission).

Submission:

Women's Health and Genetics/Laboratory Corporation of America, LabCorp
Classification: Uncertain significance. Last evaluated: 2025-06-23. Review status: criteria provided, single submitter. Criteria: LabCorp Variant Classification Summary - May 2015. Collection method: clinical testing. Allele origin: germline.
Comment: Variant summary: DSPP c.3570_3587del18 (p.Ser1226_Ser1231del) results in an in-frame deletion that is predicted to remove 6 amino acids from the encoded protein. The variant was absent in 151776 control chromosomes. The available data on variant occurrences in the general population are insufficient to allow any conclusion about variant significance. To our knowledge, no occurrence of c.3570_3587del18 in individuals affected with Dentinogenesis Imperfecta Type 2 and no experimental evidence demonstrating its impact on protein function have been reported. No submitters have cited clinical-significance assessments for this variant to ClinVar. Based on the evidence outlined above, the variant was classified as uncertain significance.

NM_014208.3(DSPP):c.3570_3587del (p.1181SDS[15])

Genes: DMP1-AS1 (DMP1 and DSPP antisense RNA 1; minus strand), DSPP (dentin sialophosphoprotein; plus strand). Cytogenetic location: 4q22.1.
Variant type: Deletion.
Coding change: c.3570_3587del on transcript NM_014208.3 (MANE Select); coding-DNA positions 3570 to 3587, 18 bases deleted (TGACAGCAGCGACAGCAG).
Protein change: p.1181SDS[15].
Genome position (GRCh38, 1-based): chr4:87,616,232-87,616,249, TGACAGCAGCGACAGCAG deleted; deleting any 18 consecutive bases within chr4:87,616,227-87,616,249 gives the same sequence; the c. name uses the placement nearest the transcript's 3' end. VCF-style (leftmost placement, unchanged base first): chr4-87616226-TAGCAGTGACAGCAGCGAC-T. GRCh37 (hg19) VCF-style: chr4-88537378-TAGCAGTGACAGCAGCGAC-T.
Other names: c.3570_3587del18 (NM_014208.3).
Identifiers: ClinVar variation 3907576 (VCV003907576.1).